The following is an entry in ClinVar:

ClinVar aggregate classification (germline): Uncertain significance (1 of 4 stars; one submission).

Conditions:
Nephronophthisis 16 (NPHP16). Identifiers: Orphanet 655, MedGen C3809320, MONDO:0014158, OMIM 615382.

gnomAD v4.1: 1 of 1,598,622 alleles (0.000063%); highest among the groups gnomAD compares: Non-Finnish European, 0.000085%; no homozygotes.

Submission:

Labcorp Genetics (formerly Invitae), Labcorp
Classification: Uncertain significance for Nephronophthisis 16. Last evaluated: 2025-09-05. Review status: criteria provided, single submitter. Criteria: Invitae Variant Classification Sherloc (09022015). Collection method: clinical testing. Allele origin: germline.
Comment: This sequence change replaces methionine, which is neutral and non-polar, with isoleucine, which is neutral and non-polar, at codon 365 of the ANKS6 protein (p.Met365Ile). This variant is not present in population databases (gnomAD no frequency). This variant has not been reported in the literature in individuals affected with ANKS6-related conditions. ClinVar contains an entry for this variant (Variation ID: 3680036). An algorithm developed to predict the effect of missense changes on protein structure and function (PolyPhen-2) suggests that this variant is likely to be disruptive. In summary, the available evidence is currently insufficient to determine the role of this variant in disease. Therefore, it has been classified as a Variant of Uncertain Significance.

NM_173551.5(ANKS6):c.1095G>A (p.Met365Ile)

Gene: ANKS6 (ankyrin repeat and sterile alpha motif domain containing 6; minus strand). Cytogenetic location: 9q22.33.
Variant type: single nucleotide variant.
Coding change: c.1095G>A on transcript NM_173551.5 (MANE Select); coding-DNA position 1095, G replaced by A.
Protein change: p.Met365Ile; replaces methionine 365 with isoleucine.
Molecular consequence: missense variant.
Genome position (GRCh38, 1-based): chr9:98,783,970, C>T on the plus strand (G>A on the coding strand, the complement: ANKS6 is on the minus strand). VCF-style: chr9-98783970-C-T. GRCh37 (hg19) VCF-style: chr9-101546252-C-T.
Other names: short protein forms M365I.
Identifiers: ClinVar variation 3680036 (VCV003680036.2).
Genomic context (GRCh38, chr9:98,783,970, plus strand): 5'-ATCTGTCTGGCCTTGTCGCTGAGGGCGTGGGGCTGGCACTGACCCATGGTAGGTTGCCTG[C>T]ATGAGGGCCGTCCAGCCATGCACGCTGTCCTGCTTGTCAACATCCGCGTGCCTCTCCACC-3'
Protein context (NP_775822.3, residues 355-375): QDSVHGWTAL[Met365Ile]QATYHGNKEI